The following is an entry in ClinVar:

NM_001033046.4(CYBC1):c.224C>T (p.Thr75Ile)

Gene: CYBC1 (cytochrome b-245 chaperone 1; minus strand). Cytogenetic location: 17q25.3.
Variant type: single nucleotide variant.
Coding change: c.224C>T on transcript NM_001033046.4 (MANE Select); coding-DNA position 224, C replaced by T.
Protein change: p.Thr75Ile; replaces threonine 75 with isoleucine.
Molecular consequence: missense variant. On other transcripts: non-coding transcript variant (4).
Genome position (GRCh38, 1-based): chr17:82,445,938, G>A on the plus strand (C>T on the coding strand, the complement: CYBC1 is on the minus strand). VCF-style: chr17-82445938-G-A. GRCh37 (hg19) VCF-style: chr17-80403814-G-A.
Other names: c.224C>T, p.Thr75Ile (NM_001100407.3, NM_001193653.2, NM_001193654.2 and 2 more transcripts); c.182C>T, p.Thr61Ile (NM_001100408.3); short protein forms T61I, T75I.
Identifiers: ClinVar variation 2810712 (VCV002810712.3), dbSNP rs2054260236, ClinGen allele CA401608967.

ClinVar aggregate classification (germline): Uncertain significance (1 of 4 stars; one submission).

Allele frequency attached by ClinVar (database versions not stated): gnomAD exomes below 0.00001; TOPMed 0.00001.
gnomAD v4.1: 1 of 1,613,876 alleles (0.000062%); highest among the groups gnomAD compares: Non-Finnish European, 0.000085%; no homozygotes.

Submission:

Labcorp Genetics (formerly Invitae), Labcorp
Classification: Uncertain significance. Last evaluated: 2022-10-30. Review status: criteria provided, single submitter. Criteria: Invitae Variant Classification Sherloc (09022015). Collection method: clinical testing. Allele origin: germline.
Comment: In summary, the available evidence is currently insufficient to determine the role of this variant in disease. Therefore, it has been classified as a Variant of Uncertain Significance. Algorithms developed to predict the effect of missense changes on protein structure and function are either unavailable or do not agree on the potential impact of this missense change (SIFT: "Deleterious"; PolyPhen-2: "Probably Damaging"; Align-GVGD: "Class C0"). This variant has not been reported in the literature in individuals affected with C17orf62-related conditions. This variant is not present in population databases (gnomAD no frequency). This sequence change replaces threonine, which is neutral and polar, with isoleucine, which is neutral and non-polar, at codon 75 of the C17orf62 protein (p.Thr75Ile).